The following is an entry in ClinVar:

NM_000051.4(ATM):c.873del (p.Pro292fs)

Gene: ATM (ATM serine/threonine kinase; plus strand). Cytogenetic location: 11q22.3.
Variant type: Deletion.
Coding change: c.873del on transcript NM_000051.4 (MANE Select); coding-DNA position 873, one base deleted (T; older notation c.873delT).
Protein change: p.Pro292fs; shifts the reading frame from proline 292.
Molecular consequence: frameshift variant.
Genome position (GRCh38, 1-based): chr11:108,244,998, T deleted. VCF-style (leftmost placement, unchanged base first): chr11-108244997-AT-A. GRCh37 (hg19) VCF-style: chr11-108115724-AT-A.
Other names: c.873del, p.Pro292fs (NM_001351834.2); short protein forms P292fs.
Identifiers: ClinVar variation 2022745 (VCV002022745.4), dbSNP rs2497154893, ClinGen allele CA2574970406.
Genomic context (GRCh38, chr11:108,244,997, plus strand): 5'-TTAATGATTCTTTAAAAGAAGTCATTATTGAATTATTTCAACTGCAAATTTATATCCATC[AT>A]CCGAAAGGAGCCAAAACCCAAGAAAAAGGTATAAAGGAAATGTTTACTGTTTTGAATTTG-3'

ClinVar aggregate classification (germline): Pathogenic (1 of 4 stars; one submission).

Conditions:
Ataxia-telangiectasia syndrome (AT). Also called: Ataxia-telangiectasia; AT, COMPLEMENTATION GROUP C; ATAXIA-TELANGIECTASIA, FRESNO VARIANT; Ataxia-telangiectasia, complementation group D; Ataxia-telangiectasia, complementation group E; LOUIS-BAR SYNDROME. Identifiers: Orphanet 100, MedGen C0004135, MONDO:0008840, OMIM 208900.

Submission:

Labcorp Genetics (formerly Invitae), Labcorp
Classification: Pathogenic for Ataxia-telangiectasia syndrome. Last evaluated: 2022-08-08. Review status: criteria provided, single submitter. Criteria: Invitae Variant Classification Sherloc (09022015). Collection method: clinical testing. Allele origin: germline.
Comment: For these reasons, this variant has been classified as Pathogenic. This variant has not been reported in the literature in individuals affected with ATM-related conditions. This variant is not present in population databases (gnomAD no frequency). This sequence change creates a premature translational stop signal (p.Pro292Argfs*28) in the ATM gene. It is expected to result in an absent or disrupted protein product. Loss-of-function variants in ATM are known to be pathogenic (PMID: 23807571, 25614872).

Literature cited by the submitters: PubMed 23807571; PubMed 25614872.